The following is an entry in ClinVar:

NM_022124.6(CDH23):c.9145G>A (p.Asp3049Asn)

Gene: CDH23 (cadherin related 23; plus strand). Cytogenetic location: 10q22.1.
Variant type: single nucleotide variant.
Coding change: c.9145G>A on transcript NM_022124.6 (MANE Select); coding-DNA position 9145, G replaced by A.
Protein change: p.Asp3049Asn; replaces aspartic acid 3049 with asparagine.
Molecular consequence: missense variant.
Genome position (GRCh38, 1-based): chr10:71,811,382, G>A. VCF-style: chr10-71811382-G-A. GRCh37 (hg19) VCF-style: chr10-73571139-G-A.
Other names: c.2425G>A, p.Asp809Asn (NM_001171933.1, NM_001171934.1); short protein forms D3049N, D809N.
Identifiers: ClinVar variation 2090440 (VCV002090440.4), dbSNP rs1263166075, ClinGen allele CA377134757.

ClinVar aggregate classification (germline): Uncertain significance (1 of 4 stars; one submission).

Submission:

Labcorp Genetics (formerly Invitae), Labcorp
Classification: Uncertain significance. Last evaluated: 2022-08-23. Review status: criteria provided, single submitter. Criteria: Invitae Variant Classification Sherloc (09022015). Collection method: clinical testing. Allele origin: germline.
Comment: In summary, the available evidence is currently insufficient to determine the role of this variant in disease. Therefore, it has been classified as a Variant of Uncertain Significance. Algorithms developed to predict the effect of missense changes on protein structure and function are either unavailable or do not agree on the potential impact of this missense change (SIFT: "Deleterious"; PolyPhen-2: "Not Available"; Align-GVGD: "Class C0"). This variant has not been reported in the literature in individuals affected with CDH23-related conditions. This variant is not present in population databases (gnomAD no frequency). This sequence change replaces aspartic acid, which is acidic and polar, with asparagine, which is neutral and polar, at codon 3049 of the CDH23 protein (p.Asp3049Asn).